The following is an entry in ClinVar:

ClinVar aggregate classification (germline): Uncertain significance. Review status: criteria provided, multiple submitters, no conflicts (2 of 4 stars). 2 submissions from 2 submitters: Uncertain significance (2). Last evaluated 2025-04-14.

Conditions:
Inborn genetic diseases. Identifiers: MedGen C0950123, MeSH D030342.

Allele frequency attached by ClinVar (database versions not stated): gnomAD exomes 0.00001; gnomAD 0.00001.
gnomAD v4.1: 17 of 1,558,714 alleles (0.0011%); highest among the groups gnomAD compares: Non-Finnish European, 0.0014%; no homozygotes.

Submissions (2):

Ambry Genetics
Classification: Uncertain significance for Inborn genetic diseases. Last evaluated: 2025-04-14. Review status: criteria provided, single submitter. Criteria: Ambry Variant Classification Scheme 2023. Collection method: clinical testing. Allele origin: germline.

Labcorp Genetics (formerly Invitae), Labcorp
Classification: Uncertain significance. Last evaluated: 2024-11-11. Review status: criteria provided, single submitter. Criteria: Invitae Variant Classification Sherloc (09022015). Collection method: clinical testing. Allele origin: germline.
Comment: This sequence change replaces asparagine, which is neutral and polar, with aspartic acid, which is acidic and polar, at codon 203 of the WNT1 protein (p.Asn203Asp). The frequency data for this variant in the population databases is considered unreliable, as metrics indicate poor data quality at this position in the gnomAD database. This variant has not been reported in the literature in individuals affected with WNT1-related conditions. ClinVar contains an entry for this variant (Variation ID: 1936715). Invitae Evidence Modeling of protein sequence and biophysical properties (such as structural, functional, and spatial information, amino acid conservation, physicochemical variation, residue mobility, and thermodynamic stability) indicates that this missense variant is expected to disrupt WNT1 protein function with a positive predictive value of 80%. In summary, the available evidence is currently insufficient to determine the role of this variant in disease. Therefore, it has been classified as a Variant of Uncertain Significance.

NM_005430.4(WNT1):c.607A>G (p.Asn203Asp)

Gene: WNT1 (Wnt family member 1; plus strand). Cytogenetic location: 12q13.12.
Variant type: single nucleotide variant.
Coding change: c.607A>G on transcript NM_005430.4 (MANE Select); coding-DNA position 607, A replaced by G.
Protein change: p.Asn203Asp; replaces asparagine 203 with aspartic acid.
Molecular consequence: missense variant.
Genome position (GRCh38, 1-based): chr12:48,980,672, A>G. VCF-style: chr12-48980672-A-G. GRCh37 (hg19) VCF-style: chr12-49374455-A-G.
Other names: c.607A>G (NM_005430.3); short protein forms N203D.
Identifiers: ClinVar variation 1936715 (VCV001936715.5), dbSNP rs1157269803, ClinGen allele CA384632661.
Genomic context (GRCh38, chr12:48,980,672, plus strand): 5'-GAGTTCGTGGACTCCGGGGAGAAGGGGCGGGACCTGCGCTTCCTCATGAACCTTCACAAC[A>G]ACGAGGCAGGCCGTACGGTGAGCTTTGAGAGGCTCCGCACCCTAAGCGGAGCGGCAGGGG-3'
Protein context (NP_005421.1, residues 193-213): DLRFLMNLHN[Asn203Asp]EAGRTTVFSE